The following is an entry in ClinVar:

NM_015295.3(SMCHD1):c.1086A>G (p.Ile362Met)

Gene: SMCHD1 (structural maintenance of chromosomes flexible hinge domain containing 1; plus strand). Cytogenetic location: 18p11.32.
Variant type: single nucleotide variant.
Coding change: c.1086A>G on transcript NM_015295.3 (MANE Select); coding-DNA position 1086, A replaced by G.
Protein change: p.Ile362Met; replaces isoleucine 362 with methionine.
Molecular consequence: missense variant.
Genome position (GRCh38, 1-based): chr18:2,697,077, A>G. VCF-style: chr18-2697077-A-G. GRCh37 (hg19) VCF-style: chr18-2697075-A-G.
Other names: c.1086A>G (NM_015295.2); short protein forms I362M.
Identifiers: ClinVar variation 281277 (VCV000281277.17), dbSNP rs201408220, ClinGen allele CA8870686.
Genomic context (GRCh38, chr18:2,697,077, plus strand): 5'-TCTTCTCTATTTTAGGCATATTTATCACTACTATATTCATGGCCCAAAAGGAAATGAAAT[A>G]CGAACATCAAAAGAAGTTGAACCTTTCAACAATATTGATATTGAAGTAAGAGAAAAATCC-3'
Protein context (NP_056110.2, residues 352-372): YYIHGPKGNE[Ile362Met]RTSKEVEPFN

ClinVar aggregate classification (germline): Uncertain significance. Review status: criteria provided, multiple submitters, no conflicts (2 of 4 stars). 5 submissions from 5 submitters: Uncertain significance (5). Last evaluated 2025-12-03.

Conditions:
Inborn genetic diseases. Identifiers: MedGen C0950123, MeSH D030342.
Facioscapulohumeral muscular dystrophy 2 (FSHD2). Also called: MUSCULAR DYSTROPHY, FACIOSCAPULOHUMERAL, TYPE 1B; FACIOSCAPULOHUMERAL MUSCULAR DYSTROPHY 2, DIGENIC; FSHD2, DIGENIC. Identifiers: Orphanet 269, MedGen C1834671, MONDO:0008031, OMIM 158901.

Allele frequency attached by ClinVar (database versions not stated): gnomAD exomes 0.00001 and 0.00006; gnomAD 0.00013; ExAC 0.00015; 1000 Genomes Project 30x 0.00016; TOPMed 0.00022; ESP Exome Variant Server 0.00027.
gnomAD v4.1: 36 of 1,509,486 alleles (0.0024%); highest among the groups gnomAD compares: African/African-American, 0.046%; 1 homozygote.

Submissions (5):

Labcorp Genetics (formerly Invitae), Labcorp
Classification: Uncertain significance for Facioscapulohumeral muscular dystrophy 2. Last evaluated: 2025-12-03. Review status: criteria provided, single submitter. Criteria: Invitae Variant Classification Sherloc (09022015). Collection method: clinical testing. Allele origin: germline.
Comment: This sequence change replaces isoleucine, which is neutral and non-polar, with methionine, which is neutral and non-polar, at codon 362 of the SMCHD1 protein (p.Ile362Met). This variant is present in population databases (rs201408220, gnomAD 0.07%), and has an allele count higher than expected for a pathogenic variant. This variant has not been reported in the literature in individuals affected with SMCHD1-related conditions. ClinVar contains an entry for this variant (Variation ID: 281277). Invitae Evidence Modeling of protein sequence and biophysical properties (such as structural, functional, and spatial information, amino acid conservation, physicochemical variation, residue mobility, and thermodynamic stability) indicates that this missense variant is not expected to disrupt SMCHD1 protein function with a negative predictive value of 80%. In summary, the available evidence is currently insufficient to determine the role of this variant in disease. Therefore, it has been classified as a Variant of Uncertain Significance.

Ambry Genetics
Classification: Uncertain significance for Inborn genetic diseases. Last evaluated: 2025-11-19. Review status: criteria provided, single submitter. Criteria: Ambry Variant Classification Scheme 2023. Collection method: clinical testing. Allele origin: germline.

Revvity Omics, Revvity
Classification: Uncertain significance. Last evaluated: 2019-03-22. Review status: criteria provided, single submitter. Criteria: ACMG Guidelines, 2015. Collection method: clinical testing. Allele origin: germline.

Eurofins Ntd Llc (ga)
Classification: Uncertain significance. Last evaluated: 2015-07-12. Review status: criteria provided, single submitter. Criteria: EGL Classification Definitions 2015. Collection method: clinical testing. Allele origin: germline. Observed: 2 variant alleles, 2 heterozygotes.

Breakthrough Genomics
Classification: Uncertain significance. Review status: criteria provided, single submitter. Criteria: ACMG Guidelines, 2015. Collection method: not provided. Allele origin: germline. Inheritance: Autosomal dominant inheritance. Affected: yes.